The following is an entry in ClinVar:

ClinVar aggregate classification (germline): Uncertain significance (1 of 4 stars; one submission).

Allele frequency attached by ClinVar (database versions not stated): TOPMed 0.00004; gnomAD 0.00005; ESP Exome Variant Server 0.00008.
gnomAD v4.1: 44 of 1,613,782 alleles (0.0027%); highest among the groups gnomAD compares: Admixed American, 0.01%; no homozygotes.

Submission:

Labcorp Genetics (formerly Invitae), Labcorp
Classification: Uncertain significance. Last evaluated: 2022-02-18. Review status: criteria provided, single submitter. Criteria: Invitae Variant Classification Sherloc (09022015). Collection method: clinical testing. Allele origin: germline.
Comment: This sequence change affects codon 500 of the NSUN2 mRNA. It is a 'silent' change, meaning that it does not change the encoded amino acid sequence of the NSUN2 protein. This variant is present in population databases (rs370596266, gnomAD 0.01%). This variant has not been reported in the literature in individuals affected with NSUN2-related conditions. Algorithms developed to predict the effect of sequence changes on RNA splicing suggest that this variant may disrupt the consensus splice site. In summary, the available evidence is currently insufficient to determine the role of this variant in disease. Therefore, it has been classified as a Variant of Uncertain Significance.

NM_017755.6(NSUN2):c.1500C>T (p.Gly500=)

Gene: NSUN2 (NOP2/Sun RNA methyltransferase 2; minus strand). Cytogenetic location: 5p15.31.
Variant type: single nucleotide variant.
Coding change: c.1500C>T on transcript NM_017755.6 (MANE Select); coding-DNA position 1500, C replaced by T.
Protein change: p.Gly500=; no amino-acid change (glycine 500 retained).
Molecular consequence: synonymous variant. On other transcripts: non-coding transcript variant (1).
Genome position (GRCh38, 1-based): chr5:6,607,208, G>A on the plus strand (C>T on the coding strand, the complement: NSUN2 is on the minus strand). VCF-style: chr5-6607208-G-A. GRCh37 (hg19) VCF-style: chr5-6607321-G-A.
Other names: c.1395C>T, p.Gly465= (NM_001193455.2).
Identifiers: ClinVar variation 2071312 (VCV002071312.1), dbSNP rs370596266, ClinGen allele CA3192428.
Genomic context (GRCh38, chr5:6,607,208, plus strand): 5'-AGGACTGTGAAGACACCAGCGTATTAGATCAAGACATAACCACTTTTCTTACCCACACAC[G>A]CCATCTTTCTTACTGCCATTATTCTCTAAATCCTCAGTTGCATGAGCTATTTCTGTGTCA-3'
Protein context (NP_060225.4, residues 490-510): DLENNGSKKD[Gly500=]VCGPPPSKKM